The following is an entry in ClinVar:

ClinVar aggregate classification (germline): Uncertain significance. Review status: criteria provided, multiple submitters, no conflicts (2 of 4 stars). 2 submissions from 2 submitters: Uncertain significance (2). Last evaluated 2025-08-05.

Conditions:
Renal cell carcinoma. Identifiers: Orphanet 217071, MedGen C0007134, MeSH D002292, MONDO:0005086, HP:0005584.
Hereditary cancer-predisposing syndrome. Also called: Hereditary Cancer Syndrome; Tumor predisposition; Neoplastic Syndromes, Hereditary; Hereditary neoplastic syndrome. Identifiers: Orphanet 140162, MedGen C0027672, MeSH D009386, MONDO:0015356.

Submissions (2):

Labcorp Genetics (formerly Invitae), Labcorp
Classification: Uncertain significance for Renal cell carcinoma. Last evaluated: 2025-08-05. Review status: criteria provided, single submitter. Criteria: Invitae Variant Classification Sherloc (09022015). Collection method: clinical testing. Allele origin: germline.
Comment: This sequence change replaces proline, which is neutral and non-polar, with glutamine, which is neutral and polar, at codon 514 of the MET protein (p.Pro514Gln). This variant is not present in population databases (gnomAD no frequency). This variant has not been reported in the literature in individuals affected with MET-related conditions. ClinVar contains an entry for this variant (Variation ID: 863031). Invitae Evidence Modeling of protein sequence and biophysical properties (such as structural, functional, and spatial information, amino acid conservation, physicochemical variation, residue mobility, and thermodynamic stability) indicates that this missense variant is expected to disrupt MET protein function with a positive predictive value of 80%. In summary, the available evidence is currently insufficient to determine the role of this variant in disease. Therefore, it has been classified as a Variant of Uncertain Significance.

Ambry Genetics
Classification: Uncertain significance for Hereditary cancer-predisposing syndrome. Last evaluated: 2024-04-12. Review status: criteria provided, single submitter. Criteria: Ambry Variant Classification Scheme 2023. Collection method: clinical testing. Allele origin: germline.
Comment: The p.P514Q variant (also known as c.1541C>A), located in coding exon 4 of the MET gene, results from a C to A substitution at nucleotide position 1541. The proline at codon 514 is replaced by glutamine, an amino acid with similar properties. This amino acid position is conserved. In addition, the in silico prediction for this alteration is inconclusive. Based on the available evidence, the clinical significance of this variant remains unclear.

NM_000245.4(MET):c.1541C>A (p.Pro514Gln)

Gene: MET (MET proto-oncogene, receptor tyrosine kinase; plus strand). Cytogenetic location: 7q31.2.
Variant type: single nucleotide variant.
Coding change: c.1541C>A on transcript NM_000245.4 (MANE Select); coding-DNA position 1541, C replaced by A.
Protein change: p.Pro514Gln; replaces proline 514 with glutamine.
Molecular consequence: missense variant.
Genome position (GRCh38, 1-based): chr7:116,740,865, C>A. VCF-style: chr7-116740865-C-A. GRCh37 (hg19) VCF-style: chr7-116380919-C-A.
Other names: c.1541C>A, p.Pro514Gln (NM_001127500.3, NM_001324401.3); c.251C>A, p.Pro84Gln (NM_001324402.2); short protein forms P514Q, P84Q.
Identifiers: ClinVar variation 863031 (VCV000863031.10), dbSNP rs1793418567, ClinGen allele CA368975004.
Genomic context (GRCh38, chr7:116,740,865, plus strand): 5'-AAACTAGATACCCCTCTGGAAGCTCTTTCCACCCCTTCTCTTCACAGATCACGAAGATCC[C>A]ATTGAATGGCTTGGGCTGCAGACATTTCCAGTCCTGCAGTCAATGCCTCTCTGCCCCACC-3'
Protein context (NP_000236.2, residues 504-524): VITGKKITKI[Pro514Gln]LNGLGCRHFQ